The following is an entry in ClinVar:

ClinVar aggregate classification (germline): Likely benign. Review status: criteria provided, multiple submitters, no conflicts (2 of 4 stars). 7 submissions from 7 submitters: Likely benign (7). Last evaluated 2025-12-16.

Conditions:
Cardiovascular phenotype. Identifiers: MedGen CN230736.
Long QT syndrome (LQTS). Identifiers: MedGen C0023976, MeSH D008133, MONDO:0002442. Disease mechanism: loss of function. Inheritance: Various modes of inheritance.

Allele frequency attached by ClinVar (database versions not stated): 1000 Genomes Project 0.00020; 1000 Genomes Project 30x 0.00031; gnomAD 0.00057 and 0.00058; gnomAD exomes 0.00059; TOPMed 0.00064; ExAC 0.00075; ESP Exome Variant Server 0.00092.
gnomAD v4.1: 1,029 of 1,614,024 alleles (0.064%); highest among the groups gnomAD compares: Non-Finnish European, 0.081%; 2 homozygotes.

Submissions (7):

Labcorp Genetics (formerly Invitae), Labcorp
Classification: Likely benign for Long QT syndrome. Last evaluated: 2025-12-16. Review status: criteria provided, single submitter. Criteria: Invitae Variant Classification Sherloc (09022015). Collection method: clinical testing. Allele origin: germline.

CeGaT Center for Human Genetics Tuebingen
Classification: Likely benign. Last evaluated: 2025-03-01. Review status: criteria provided, single submitter. Criteria: CeGaT Center For Human Genetics Tuebingen Variant Classification Criteria Version 2. Collection method: clinical testing. Allele origin: germline. Affected: yes. Observed: 4 variant alleles.
Comment: AKAP9: BP4, BS1

Blueprint Genetics
Classification: Likely benign. Last evaluated: 2024-11-20. Review status: criteria provided, single submitter. Criteria: ACMG Guidelines, 2015. Collection method: clinical testing. Allele origin: germline.

Women's Health and Genetics/Laboratory Corporation of America, LabCorp
Classification: Likely benign. Last evaluated: 2023-11-13. Review status: criteria provided, single submitter. Criteria: LabCorp Variant Classification Summary - May 2015. Collection method: clinical testing. Allele origin: germline.

Ambry Genetics
Classification: Likely benign for Cardiovascular phenotype. Last evaluated: 2018-01-29. Review status: criteria provided, single submitter. Criteria: Ambry Variant Classification Scheme 2023. Collection method: clinical testing. Allele origin: germline.

GeneDx
Classification: Likely benign. Last evaluated: 2012-02-16. Review status: criteria provided, single submitter. Criteria: GeneDx Variant Classification (06012015). Collection method: clinical testing. Allele origin: germline. Affected: yes.
Comment: This variant is considered likely benign or benign based on one or more of the following criteria: it is a conservative change, it occurs at a poorly conserved position in the protein, it is predicted to be benign by multiple in silico algorithms, and/or has population frequency not consistent with disease.

Breakthrough Genomics
Classification: Likely benign. Review status: criteria provided, single submitter. Criteria: ACMG Guidelines, 2015. Collection method: not provided. Allele origin: germline. Inheritance: Autosomal dominant inheritance. Affected: yes.

NM_005751.5(AKAP9):c.4127G>C (p.Ser1376Thr)

Gene: AKAP9 (A-kinase anchoring protein 9; plus strand). Cytogenetic location: 7q21.2.
Variant type: single nucleotide variant.
Coding change: c.4127G>C on transcript NM_005751.5 (MANE Select); coding-DNA position 4127, G replaced by C.
Protein change: p.Ser1376Thr; replaces serine 1376 with threonine.
Molecular consequence: missense variant.
Genome position (GRCh38, 1-based): chr7:92,022,988, G>C. VCF-style: chr7-92022988-G-C. GRCh37 (hg19) VCF-style: chr7-91652302-G-C.
Other names: p.S1376T:AGT>ACT; c.4127G>C, p.Ser1376Thr (NM_147185.3); short protein forms S1376T.
Identifiers: ClinVar variation 190509 (VCV000190509.40), dbSNP rs144372406, ClinGen allele CA300666.